The following is an entry in ClinVar:

NM_001130144.3(LTBP3):c.2132G>A (p.Ser711Asn)

Gene: LTBP3 (latent transforming growth factor beta binding protein 3; minus strand). Cytogenetic location: 11q13.1.
Variant type: single nucleotide variant.
Coding change: c.2132G>A on transcript NM_001130144.3 (MANE Select); coding-DNA position 2132, G replaced by A.
Protein change: p.Ser711Asn; replaces serine 711 with asparagine.
Molecular consequence: missense variant.
Genome position (GRCh38, 1-based): chr11:65,546,896, C>T on the plus strand (G>A on the coding strand, the complement: LTBP3 is on the minus strand). VCF-style: chr11-65546896-C-T. GRCh37 (hg19) VCF-style: chr11-65314367-C-T.
Other names: c.1781G>A, p.Ser594Asn (NM_001164266.1); c.2132G>A, p.Ser711Asn (NM_021070.4); short protein forms S711N, S594N.
Identifiers: ClinVar variation 1786430 (VCV001786430.4), dbSNP rs776231006, ClinGen allele CA6100727.

ClinVar aggregate classification (germline): Uncertain significance. Review status: criteria provided, multiple submitters, no conflicts (2 of 4 stars). 2 submissions from 2 submitters: Uncertain significance (2). Last evaluated 2024-07-24.

Conditions:
Inborn genetic diseases. Identifiers: MedGen C0950123, MeSH D030342.
Brachyolmia-amelogenesis imperfecta syndrome. Also called: PLATYSPONDYLY WITH AMELOGENESIS IMPERFECTA; Tooth agenesis, selective, 6; Dental anomalies and short stature. Identifiers: Orphanet 2899, MedGen C1832594, MONDO:0011018, OMIM 601216. Disease mechanism: loss of function.

Allele frequency attached by ClinVar (database versions not stated): gnomAD exomes below 0.00001; ExAC 0.00001; gnomAD 0.00001; TOPMed 0.00001.
gnomAD v4.1: 3 of 1,612,438 alleles (0.00019%); highest among the groups gnomAD compares: African/African-American, 0.004%; no homozygotes.

Submissions (2):

Labcorp Genetics (formerly Invitae), Labcorp
Classification: Uncertain significance for Brachyolmia-amelogenesis imperfecta syndrome. Last evaluated: 2024-07-24. Review status: criteria provided, single submitter. Criteria: Invitae Variant Classification Sherloc (09022015). Collection method: clinical testing. Allele origin: germline.
Comment: This sequence change replaces serine, which is neutral and polar, with asparagine, which is neutral and polar, at codon 711 of the LTBP3 protein (p.Ser711Asn). This variant is present in population databases (rs776231006, gnomAD 0.008%). This variant has not been reported in the literature in individuals affected with LTBP3-related conditions. ClinVar contains an entry for this variant (Variation ID: 1786430). An algorithm developed to predict the effect of missense changes on protein structure and function (PolyPhen-2) suggests that this variant is likely to be tolerated. In summary, the available evidence is currently insufficient to determine the role of this variant in disease. Therefore, it has been classified as a Variant of Uncertain Significance.

Ambry Genetics
Classification: Uncertain significance for Inborn genetic diseases. Last evaluated: 2021-12-29. Review status: criteria provided, single submitter. Criteria: Ambry Variant Classification Scheme 2023. Collection method: clinical testing. Allele origin: germline.
Comment: The p.S711N variant (also known as c.2132G>A), located in coding exon 15 of the LTBP3 gene, results from a G to A substitution at nucleotide position 2132. The serine at codon 711 is replaced by asparagine, an amino acid with highly similar properties. This amino acid position is conserved. In addition, this alteration is predicted to be tolerated by in silico analysis. Since supporting evidence is limited at this time, the clinical significance of this alteration remains unclear.